The following is an entry in ClinVar:

NM_198510.3(ITIH6):c.2104T>A (p.Tyr702Asn)

Gene: ITIH6 (inter-alpha-trypsin inhibitor heavy chain family member 6; minus strand). Cytogenetic location: Xp11.22.
Variant type: single nucleotide variant.
Coding change: c.2104T>A on transcript NM_198510.3 (MANE Select); coding-DNA position 2104, T replaced by A.
Protein change: p.Tyr702Asn; replaces tyrosine 702 with asparagine.
Molecular consequence: missense variant.
Genome position (GRCh38, 1-based): chrX:54,757,970, A>T on the plus strand (T>A on the coding strand, the complement: ITIH6 is on the minus strand). VCF-style: chrX-54757970-A-T. GRCh37 (hg19) VCF-style: chrX-54784403-A-T.
Other names: short protein forms Y702N.
Identifiers: ClinVar variation 3051273 (VCV003051273.2), dbSNP rs145736752, ClinGen allele CA10426177.

ClinVar aggregate classification (germline): Likely benign (0 of 4 stars; one submission).

Conditions:
ITIH6-related disorder. Also called: ITIH6-related condition.

Allele frequency attached by ClinVar (database versions not stated): ExAC 0.00088; ESP Exome Variant Server 0.00104; gnomAD exomes 0.00136; 1000 Genomes Project 30x 0.00021; 1000 Genomes Project 0.00026; gnomAD 0.00065; TOPMed 0.00071.
gnomAD v4.1: 1,567 of 1,210,092 alleles (0.13%); highest among the groups gnomAD compares: Non-Finnish European, 0.17%; 1 homozygote.

Submission:

PreventionGenetics, part of Exact Sciences
Classification: Likely benign for ITIH6-related condition. Last evaluated: 2022-02-04. Review status: no assertion criteria provided. Collection method: clinical testing. Allele origin: germline.
Comment: This variant is classified as likely benign based on ACMG/AMP sequence variant interpretation guidelines (Richards et al. 2015 PMID: 25741868, with internal and published modifications).